The following is an entry in ClinVar:

NM_001792.5(CDH2):c.1834A>G (p.Thr612Ala)

Gene: CDH2 (cadherin 2; minus strand). Cytogenetic location: 18q12.1.
Variant type: single nucleotide variant.
Coding change: c.1834A>G on transcript NM_001792.5 (MANE Select); coding-DNA position 1834, A replaced by G.
Protein change: p.Thr612Ala; replaces threonine 612 with alanine.
Molecular consequence: missense variant.
Genome position (GRCh38, 1-based): chr18:27,985,669, T>C on the plus strand (A>G on the coding strand, the complement: CDH2 is on the minus strand). VCF-style: chr18-27985669-T-C. GRCh37 (hg19) VCF-style: chr18-25565633-T-C.
Other names: c.1741A>G, p.Thr581Ala (NM_001308176.2); short protein forms T612A, T581A.
Identifiers: ClinVar variation 2693965 (VCV002693965.3), dbSNP rs2510793198, ClinGen allele CA402107466.
Genomic context (GRCh38, chr18:27,985,669, plus strand): 5'-GATCAATGTCATAATCAAGTGCTGTAATATTAATTGAATTGGGGTCTGGAGTTTCGCAAG[T>C]CTCTGCCTCTTGAGGTAACACTTGAGGGGCATTGTCATTAATATCAAGTAAATAGATCTG-3'
Protein context (NP_001783.2, residues 602-622): APQVLPQEAE[Thr612Ala]CETPDPNSIN

ClinVar aggregate classification (germline): Uncertain significance (1 of 4 stars; one submission).

Allele frequency attached by ClinVar (database versions not stated): gnomAD exomes below 0.00001.
gnomAD v4.1: 3 of 1,613,902 alleles (0.00019%); highest among the groups gnomAD compares: Non-Finnish European, 0.00025%; no homozygotes.

Submission:

Labcorp Genetics (formerly Invitae), Labcorp
Classification: Uncertain significance. Last evaluated: 2023-12-27. Review status: criteria provided, single submitter. Criteria: Invitae Variant Classification Sherloc (09022015). Collection method: clinical testing. Allele origin: germline.
Comment: This sequence change replaces threonine, which is neutral and polar, with alanine, which is neutral and non-polar, at codon 612 of the CDH2 protein (p.Thr612Ala). This variant is not present in population databases (gnomAD no frequency). This variant has not been reported in the literature in individuals affected with CDH2-related conditions. An algorithm developed to predict the effect of missense changes on protein structure and function (PolyPhen-2) suggests that this variant is likely to be tolerated. In summary, the available evidence is currently insufficient to determine the role of this variant in disease. Therefore, it has been classified as a Variant of Uncertain Significance.